The following is an entry in ClinVar:

ClinVar aggregate classification (germline): Likely pathogenic (1 of 4 stars; one submission).

Conditions:
Primary dilated cardiomyopathy (DCM). Also called: Dilated Cardiomyopathy. Identifiers: Orphanet 217604, MedGen C0007193, MeSH D002311, MONDO:0005021, HP:0001644. Inheritance: Various modes of inheritance.

Submission:

Lildballe Lab, Aarhus University Hospital
Classification: Likely pathogenic for dilated cardiomyopathy. Last evaluated: 2024-03-01. Review status: criteria provided, single submitter. Criteria: ACMG Guidelines, 2015. Collection method: research. Allele origin: germline. Affected: yes.
Comment: PM1(m) PM2(sup) PM5(mod) PP3(sup)

Literature cited by the submitters: PubMed 25741915; PubMed 39481677.

NM_001276345.2(TNNT2):c.275G>A (p.Gly92Glu)

Gene: TNNT2 (troponin T2, cardiac type; minus strand). Cytogenetic location: 1q32.1.
Variant type: single nucleotide variant.
Coding change: c.275G>A on transcript NM_001276345.2 (MANE Select); coding-DNA position 275, G replaced by A.
Protein change: p.Gly92Glu; replaces glycine 92 with glutamic acid.
Molecular consequence: missense variant.
Genome position (GRCh38, 1-based): chr1:201,365,629, C>T on the plus strand (G>A on the coding strand, the complement: TNNT2 is on the minus strand). VCF-style: chr1-201365629-C-T. GRCh37 (hg19) VCF-style: chr1-201334757-C-T.
Other names: c.275G>A, p.Gly92Glu (NM_000364.4, NM_001406723.1); c.245G>A, p.Gly82Glu (NM_001001430.3, NM_001001431.3, NM_001276347.2 and 3 more transcripts); c.230G>A, p.Gly77Glu (NM_001001432.3, NM_001406728.1); c.272G>A, p.Gly91Glu (NM_001276346.2); c.242G>A, p.Gly81Glu (NM_001406725.1); short protein forms G77E, G81E, G82E, G91E, G92E.
Identifiers: ClinVar variation 3338341 (VCV003338341.1).